The following is an entry in ClinVar:

NM_024675.4(PALB2):c.2401G>A (p.Asp801Asn)

Gene: PALB2 (partner and localizer of BRCA2; minus strand). Cytogenetic location: 16p12.2.
Variant type: single nucleotide variant.
Coding change: c.2401G>A on transcript NM_024675.4 (MANE Select); coding-DNA position 2401, G replaced by A.
Protein change: p.Asp801Asn; replaces aspartic acid 801 with asparagine.
Molecular consequence: missense variant.
Genome position (GRCh38, 1-based): chr16:23,629,753, C>T on the plus strand (G>A on the coding strand, the complement: PALB2 is on the minus strand). VCF-style: chr16-23629753-C-T. GRCh37 (hg19) VCF-style: chr16-23641074-C-T.
Other names: short protein forms D801N.
Identifiers: ClinVar variation 142850 (VCV000142850.30), dbSNP rs587782765, ClinGen allele CA169572.
Genomic context (GRCh38, chr16:23,629,753, plus strand): 5'-TTTCTTTAAAAGTGAATGACTCAATGGGTGGAGGTGTTCCTGGCGGGACAGAGTCACAGT[C>T]ACAGGTAGGTTGTCCTTGCCTGCCTGACACTTGCAGGGTGGTATGTGGTTTTGCTGGGCT-3'
Protein context (NP_078951.2, residues 791-811): VSGRQGQPTC[Asp801Asn]CDSVPPGTPP

ClinVar aggregate classification (germline): Conflicting classifications of pathogenicity. Review status: criteria provided, conflicting classifications (1 of 4 stars). 8 submissions from 8 submitters: Uncertain significance (6); Likely benign (1). 1 of the submissions does not count toward it. Last evaluated 2025-11-10.

Conditions:
Hereditary cancer-predisposing syndrome. Also called: Hereditary Cancer Syndrome; Neoplastic Syndromes, Hereditary; Hereditary neoplastic syndrome; Tumor predisposition. Identifiers: Orphanet 140162, MedGen C0027672, MeSH D009386, MONDO:0015356.
Familial cancer of breast. Also called: BREAST CANCER, FAMILIAL; Hereditary breast cancer; hereditary breast carcinoma. Identifiers: Orphanet 227535, MedGen C0346153, MONDO:0016419, OMIM 114480. Disease mechanism: loss of function.

Allele frequency attached by ClinVar (database versions not stated): gnomAD 0.00001; TOPMed 0.00002.
gnomAD v4.1: 6 of 1,614,082 alleles (0.00037%); highest among the groups gnomAD compares: African/African-American, 0.0013%; no homozygotes.

Submissions (8):

Labcorp Genetics (formerly Invitae), Labcorp
Classification: Uncertain significance for Familial cancer of breast. Last evaluated: 2025-11-10. Review status: criteria provided, single submitter. Criteria: Invitae Variant Classification Sherloc (09022015). Collection method: clinical testing. Allele origin: germline.
Comment: This sequence change replaces aspartic acid, which is acidic and polar, with asparagine, which is neutral and polar, at codon 801 of the PALB2 protein (p.Asp801Asn). This variant is present in population databases (rs587782765, gnomAD 0.0009%). This missense change has been observed in individual(s) with breast cancer (PMID: 35264596, 35534704). ClinVar contains an entry for this variant (Variation ID: 142850). Invitae Evidence Modeling of protein sequence and biophysical properties (such as structural, functional, and spatial information, amino acid conservation, physicochemical variation, residue mobility, and thermodynamic stability) has been performed for this missense variant. However, the output from this modeling did not meet the statistical confidence thresholds required to predict the impact of this variant on PALB2 protein function. In summary, the available evidence is currently insufficient to determine the role of this variant in disease. Therefore, it has been classified as a Variant of Uncertain Significance.

Ambry Genetics
Classification: Likely benign for Hereditary cancer-predisposing syndrome. Last evaluated: 2025-03-17. Review status: criteria provided, single submitter. Criteria: Ambry Variant Classification Scheme 2023. Collection method: clinical testing. Allele origin: germline.

GeneDx
Classification: Uncertain significance. Last evaluated: 2024-04-04. Review status: criteria provided, single submitter. Criteria: GeneDx Variant Classification Process June 2021. Collection method: clinical testing. Allele origin: germline. Affected: yes.
Comment: Not observed at a significant frequency in large population cohorts (gnomAD); In silico analysis, which includes protein predictors and evolutionary conservation, supports a deleterious effect; This variant is associated with the following publications: (PMID: 33471991, 24485656, 35264596, 35534704, 35451682)

Color Diagnostics, LLC DBA Color Health
Classification: Uncertain significance for Hereditary cancer-predisposing syndrome. Last evaluated: 2024-02-13. Review status: criteria provided, single submitter. Criteria: ACMG Guidelines, 2015. Collection method: clinical testing. Allele origin: germline.
Comment: This missense variant replaces aspartic acid with asparagine at codon 801 of the PALB2 protein. Computational prediction suggests that this variant may not impact protein structure and function. To our knowledge, functional studies have not been reported for this variant. This variant has been detected in a breast cancer case-control meta-analysis in 1/60466 cases and 0/53461 unaffected individuals (PMID: 33471991; Leiden Open Variation Database DB-ID PALB2_010902). This variant has been identified in 1/251462 chromosomes in the general population by the Genome Aggregation Database (gnomAD). The available evidence is insufficient to determine the role of this variant in disease conclusively. Therefore, this variant is classified as a Variant of Uncertain Significance.

Myriad Genetics, Inc.
Classification: Uncertain significance for Familial cancer of breast. Last evaluated: 2023-03-31. Review status: criteria provided, single submitter. Criteria: Myriad Autosomal Dominant, Autosomal Recessive and X-Linked Classification Criteria (2023). Collection method: clinical testing. Allele origin: unknown.
Comment: This variant is classified as a variant of uncertain significance as there is insufficient evidence to determine its impact on protein function and/or cancer risk.

Mendelics
Classification: Uncertain significance for Familial cancer of breast. Last evaluated: 2019-05-28. Review status: criteria provided, single submitter. Criteria: Mendelics Assertion Criteria 2017. Collection method: clinical testing. Allele origin: unknown.

Laboratorio de Genetica e Diagnostico Molecular, Hospital Israelita Albert Einstein
Classification: Uncertain significance. Last evaluated: 2019-05-06. Review status: criteria provided, single submitter. Criteria: ACMG Guidelines, 2015. Collection method: clinical testing. Allele origin: germline. Affected: yes.
Comment: ACMG classification criteria: PM2, BP1

Counsyl
Classification: Uncertain significance for Familial cancer of breast. Last evaluated: 2018-04-09. Review status: no assertion criteria provided. Collection method: clinical testing. Allele origin: unknown. Not counted in ClinVar's aggregate classification.

Literature cited by the submitters: PubMed 35264596 (cited by Labcorp Genetics (formerly Invitae), Labcorp); PubMed 35534704 (cited by Labcorp Genetics (formerly Invitae), Labcorp); PubMed 33471991 (cited by Color Diagnostics, LLC DBA Color Health).